The following is an entry in ClinVar:

NM_000175.5(GPI):c.818G>A (p.Arg273His)

Gene: GPI (glucose-6-phosphate isomerase; plus strand). Cytogenetic location: 19q13.11.
Variant type: single nucleotide variant.
Coding change: c.818G>A on transcript NM_000175.5 (MANE Select); coding-DNA position 818, G replaced by A.
Protein change: p.Arg273His; replaces arginine 273 with histidine.
Molecular consequence: missense variant.
Genome position (GRCh38, 1-based): chr19:34,393,261, G>A. VCF-style: chr19-34393261-G-A. GRCh37 (hg19) VCF-style: chr19-34884166-G-A.
Other names: p.Arg273His; c.851G>A, p.Arg284His (NM_001184722.1); c.935G>A, p.Arg312His (NM_001289789.1); c.734G>A, p.Arg245His (NM_001289790.3); c.818G>A, p.Arg273His (NM_001329909.1, NM_001329910.1, NM_001329911.2); short protein forms R245H, R273H, R284H, R312H.
Identifiers: ClinVar variation 2683541 (VCV002683541.1), dbSNP rs1250029517, ClinGen allele CA405252630.
Genomic context (GRCh38, chr19:34,393,261, plus strand): 5'-GCGGGGTGTGCCGGCCCTCCCTCAGCACCTTGTCCTGTCTCTCCTAGTGGGTGGGAGGAC[G>A]CTACTCGCTGTGGTCGGCCATCGGACTCTCCATTGCCCTGCACGTGGGTGAGTGTGTTTC-3'
Protein context (NP_000166.2, residues 263-283): MFEFWDWVGG[Arg273His]YSLWSAIGLS

ClinVar aggregate classification (germline): Pathogenic (1 of 4 stars; one submission).

Allele frequency attached by ClinVar (database versions not stated): TOPMed below 0.00001.

Submission:

Mayo Clinic Laboratories, Mayo Clinic
Classification: Pathogenic. Last evaluated: 2022-05-11. Review status: criteria provided, single submitter. Criteria: ACMG Guidelines, 2015. Collection method: clinical testing. Allele origin: germline. Observed: 1 variant allele.
Comment: PP3, PM1, PM2, PM3_supporting, PS3